The following is an entry in ClinVar:

NM_015627.3(LDLRAP1):c.222C>T (p.Ile74=)

Gene: LDLRAP1 (low density lipoprotein receptor adaptor protein 1; plus strand). Cytogenetic location: 1p36.11.
Variant type: single nucleotide variant.
Coding change: c.222C>T on transcript NM_015627.3 (MANE Select); coding-DNA position 222, C replaced by T.
Protein change: p.Ile74=; no amino-acid change (isoleucine 74 retained).
Molecular consequence: synonymous variant.
Genome position (GRCh38, 1-based): chr1:25,554,055, C>T. VCF-style: chr1-25554055-C-T. GRCh37 (hg19) VCF-style: chr1-25880546-C-T.
Identifiers: ClinVar variation 1079936 (VCV001079936.10), dbSNP rs199630684, ClinGen allele CA19674189.

ClinVar aggregate classification (germline): Likely benign. Review status: criteria provided, multiple submitters, no conflicts (2 of 4 stars). 2 submissions from 2 submitters: Likely benign (2). Last evaluated 2025-05-22.

Conditions:
Hypercholesterolemia, familial, 4 (FHCL4). Also called: HYPERCHOLESTEROLEMIA, AUTOSOMAL RECESSIVE, 1; HYPERCHOLESTEROLEMIA, AUTOSOMAL RECESSIVE, 2. Identifiers: Orphanet 391665, MedGen C1863512, MONDO:0011374, OMIM 603813.

Allele frequency attached by ClinVar (database versions not stated): TOPMed below 0.00001; gnomAD 0.00001; 1000 Genomes Project 30x 0.00016; 1000 Genomes Project 0.00020.
gnomAD v4.1: 7 of 1,613,912 alleles (0.00043%); highest among the groups gnomAD compares: African/African-American, 0.0013%; no homozygotes.

Submissions (2):

Labcorp Genetics (formerly Invitae), Labcorp
Classification: Likely benign for Hypercholesterolemia, familial, 4. Last evaluated: 2025-05-22. Review status: criteria provided, single submitter. Criteria: Invitae Variant Classification Sherloc (09022015). Collection method: clinical testing. Allele origin: germline.

GENinCode PLC
Classification: Likely benign for Hypercholesterolemia, familial, 4. Last evaluated: 2023-02-10. Review status: criteria provided, single submitter. Criteria: ACMG Guidelines, 2015. Collection method: clinical testing. Allele origin: germline.
Comment: This is a synonymous (silent) variant that is not predicted by SpliceAI to impact splicing. In addition, it occurs at a nucleotide that is not conserved. Therefore this variant has been classified as Likely Benign (BP4, BP7).